The following is an entry in ClinVar:

ClinVar aggregate classification (germline): Uncertain significance (1 of 4 stars; one submission).

Conditions:
Leigh syndrome (NULS). Also called: Leigh's necrotizing encephalopathy; Leigh's disease; Leigh Syndrome (mtDNA deletion); Leigh Disease; Subacute necrotizing encephalopathy; Necrotizing encephalopathy infantile subacute of Leigh. Identifiers: Orphanet 506, MedGen C2931891, MONDO:0009723, OMIM 256000.

Submission:

Wong Mito Lab, Molecular and Human Genetics, Baylor College of Medicine
Classification: Uncertain significance for Leigh syndrome. Last evaluated: 2019-10-17. Review status: criteria provided, single submitter. Criteria: Modified ACMG Guidelines (Unpublished). Collection method: clinical testing. Allele origin: germline.
Comment: The NC_012920.1:m.8953A>G (YP_003024031.1:p.Ile143Val) variant in MTATP6 gene is interpretated to be a Uncertain Significance variant based on the modified ACMG guidelines (unpublished). This variant meets the following evidence codes: PP4

NC_012920.1(MT-ATP6):m.8953A>G

Gene: MT-ATP6 (mitochondrially encoded ATP synthase 6; plus strand).
Variant type: single nucleotide variant.
Genome position: chrM-8953-A-G.
Identifiers: ClinVar variation 693034 (VCV000693034.1), dbSNP rs1603221936, ClinGen allele CA414799145.